The following is an entry in ClinVar:

NM_006939.4(SOS2):c.3065C>G (p.Pro1022Arg)

Gene: SOS2 (SOS Ras/Rho guanine nucleotide exchange factor 2; minus strand). Cytogenetic location: 14q21.3.
Variant type: single nucleotide variant.
Coding change: c.3065C>G on transcript NM_006939.4 (MANE Select); coding-DNA position 3065, C replaced by G.
Protein change: p.Pro1022Arg; replaces proline 1022 with arginine.
Molecular consequence: missense variant.
Genome position (GRCh38, 1-based): chr14:50,134,133, G>C on the plus strand (C>G on the coding strand, the complement: SOS2 is on the minus strand). VCF-style: chr14-50134133-G-C. GRCh37 (hg19) VCF-style: chr14-50600851-G-C.
Other names: c.2966C>G, p.Pro989Arg (NM_001411020.1); short protein forms P1022R, P989R.
Identifiers: ClinVar variation 4278802 (VCV004278802.1).

ClinVar aggregate classification (germline): Uncertain significance (1 of 4 stars; one submission).

Submission:

GeneDx
Classification: Uncertain significance. Last evaluated: 2025-04-01. Review status: criteria provided, single submitter. Criteria: GeneDx Variant Classification Process June 2021. Collection method: clinical testing. Allele origin: germline. Affected: yes.
Comment: Not observed at significant frequency in large population cohorts (gnomAD); In silico analysis supports that this missense variant has a deleterious effect on protein structure/function; Has not been previously published as pathogenic or benign to our knowledge